The following is an entry in ClinVar:

ClinVar aggregate classification (germline): Uncertain significance (1 of 4 stars; one submission).

Conditions:
Congenital disorder of deglycosylation (CDDG). Identifiers: MedGen C3808991, MONDO:0031376.

Submission:

Labcorp Genetics (formerly Invitae), Labcorp
Classification: Uncertain significance for Congenital disorder of deglycosylation. Last evaluated: 2022-01-21. Review status: criteria provided, single submitter. Criteria: Invitae Variant Classification Sherloc (09022015). Collection method: clinical testing. Allele origin: germline.
Comment: This variant has not been reported in the literature in individuals affected with NGLY1-related conditions. This variant is not present in population databases (gnomAD no frequency). This sequence change replaces alanine, which is neutral and non-polar, with aspartic acid, which is acidic and polar, at codon 196 of the NGLY1 protein (p.Ala196Asp). Algorithms developed to predict the effect of missense changes on protein structure and function (SIFT, PolyPhen-2, Align-GVGD) all suggest that this variant is likely to be tolerated. In summary, the available evidence is currently insufficient to determine the role of this variant in disease. Therefore, it has been classified as a Variant of Uncertain Significance.

NM_018297.4(NGLY1):c.587C>A (p.Ala196Asp)

Gene: NGLY1 (N-glycanase 1; minus strand). Cytogenetic location: 3p24.2.
Variant type: single nucleotide variant.
Coding change: c.587C>A on transcript NM_018297.4 (MANE Select); coding-DNA position 587, C replaced by A.
Protein change: p.Ala196Asp; replaces alanine 196 with aspartic acid.
Molecular consequence: missense variant.
Genome position (GRCh38, 1-based): chr3:25,751,169, G>T on the plus strand (C>A on the coding strand, the complement: NGLY1 is on the minus strand). VCF-style: chr3-25751169-G-T. GRCh37 (hg19) VCF-style: chr3-25792660-G-T.
Other names: c.587C>A, p.Ala196Asp (NM_001145293.2, NM_001145295.2); c.461C>A, p.Ala154Asp (NM_001145294.2); short protein forms A154D, A196D.
Identifiers: ClinVar variation 2088745 (VCV002088745.4), dbSNP rs1706727688, ClinGen allele CA351905991.